The following is an entry in ClinVar:

NM_001080449.3(DNA2):c.1080G>A (p.Gln360=)

Gene: DNA2 (DNA replication helicase/nuclease 2; minus strand). Cytogenetic location: 10q21.3.
Variant type: single nucleotide variant.
Coding change: c.1080G>A on transcript NM_001080449.3 (MANE Select); coding-DNA position 1080, G replaced by A.
Protein change: p.Gln360=; no amino-acid change (glutamine 360 retained).
Molecular consequence: synonymous variant. On other transcripts: non-coding transcript variant (1).
Genome position (GRCh38, 1-based): chr10:68,445,061, C>T on the plus strand (G>A on the coding strand, the complement: DNA2 is on the minus strand). VCF-style: chr10-68445061-C-T. GRCh37 (hg19) VCF-style: chr10-70204818-C-T.
Identifiers: ClinVar variation 1950206 (VCV001950206.5), dbSNP rs1288184562, ClinGen allele CA469808295.

ClinVar aggregate classification (germline): Uncertain significance (1 of 4 stars; one submission).

Allele frequency attached by ClinVar (database versions not stated): gnomAD exomes below 0.00001.
gnomAD v4.1: 3 of 1,605,092 alleles (0.00019%); highest among the groups gnomAD compares: South Asian, 0.0011%; no homozygotes.

Submission:

Labcorp Genetics (formerly Invitae), Labcorp
Classification: Uncertain significance. Last evaluated: 2022-04-04. Review status: criteria provided, single submitter. Criteria: Invitae Variant Classification Sherloc (09022015). Collection method: clinical testing. Allele origin: germline.
Comment: This sequence change affects codon 360 of the DNA2 mRNA. It is a 'silent' change, meaning that it does not change the encoded amino acid sequence of the DNA2 protein. This variant is present in population databases (no rsID available, gnomAD no frequency). This variant has not been reported in the literature in individuals affected with DNA2-related conditions. Algorithms developed to predict the effect of sequence changes on RNA splicing suggest that this variant may disrupt the consensus splice site. In summary, the available evidence is currently insufficient to determine the role of this variant in disease. Therefore, it has been classified as a Variant of Uncertain Significance.